The following is an entry in ClinVar:

NM_001558.4(IL10RA):c.284G>T (p.Gly95Val)

Gene: IL10RA (interleukin 10 receptor subunit alpha; plus strand). Cytogenetic location: 11q23.3.
Variant type: single nucleotide variant.
Coding change: c.284G>T on transcript NM_001558.4 (MANE Select); coding-DNA position 284, G replaced by T.
Protein change: p.Gly95Val; replaces glycine 95 with valine.
Molecular consequence: missense variant. On other transcripts: non-coding transcript variant (1).
Genome position (GRCh38, 1-based): chr11:117,989,537, G>T. VCF-style: chr11-117989537-G-T. GRCh37 (hg19) VCF-style: chr11-117860252-G-T.
Other names: short protein forms G95V.
Identifiers: ClinVar variation 2002834 (VCV002002834.4), dbSNP rs2496774370, ClinGen allele CA382773434.

ClinVar aggregate classification (germline): Uncertain significance (1 of 4 stars; one submission).

Conditions:
Inflammatory bowel disease 28. Also called: Inflammatory bowel disease 28, early onset, autosomal recessive. Identifiers: Orphanet 238569, MedGen C2751053, MONDO:0013153, OMIM 613148.

Submission:

Labcorp Genetics (formerly Invitae), Labcorp
Classification: Uncertain significance for Inflammatory bowel disease 28. Last evaluated: 2022-06-08. Review status: criteria provided, single submitter. Criteria: Invitae Variant Classification Sherloc (09022015). Collection method: clinical testing. Allele origin: germline.
Comment: In summary, the available evidence is currently insufficient to determine the role of this variant in disease. Therefore, it has been classified as a Variant of Uncertain Significance. Algorithms developed to predict the effect of missense changes on protein structure and function are either unavailable or do not agree on the potential impact of this missense change (SIFT: "Deleterious"; PolyPhen-2: "Probably Damaging"; Align-GVGD: "Class C0"). This variant has not been reported in the literature in individuals affected with IL10RA-related conditions. This variant is not present in population databases (gnomAD no frequency). This sequence change replaces glycine, which is neutral and non-polar, with valine, which is neutral and non-polar, at codon 95 of the IL10RA protein (p.Gly95Val).